The following is an entry in ClinVar:

NM_000179.3(MSH6):c.3694_3697dup (p.Lys1233delinsSerTer)

Gene: MSH6 (mutS homolog 6; plus strand). Cytogenetic location: 2p16.3.
Variant type: Duplication.
Coding change: c.3694_3697dup on transcript NM_000179.3 (MANE Select); coding-DNA positions 3694 to 3697, 4 bases duplicated (GTTA; older notation c.3694_3697dupGTTA).
Protein change: p.Lys1233delinsSerTer.
Molecular consequence: nonsense.
Genome position (GRCh38, 1-based): chr2:47,806,251-47,806,254, GTTA duplicated. VCF-style (leftmost placement, unchanged base first): chr2-47806250-T-TGTTA. GRCh37 (hg19) VCF-style: chr2-48033389-T-TGTTA.
Other names: c.3304_3307dup, p.Lys1103delinsSerTer (NM_001281492.2); c.2788_2791dup, p.Lys931delinsSerTer (NM_001281493.2, NM_001281494.2).
Identifiers: ClinVar variation 1072131 (VCV001072131.8), dbSNP rs2104539547, ClinGen allele CA2499216126.

ClinVar aggregate classification (germline): Pathogenic (1 of 4 stars; one submission).

Conditions:
Hereditary nonpolyposis colorectal neoplasms. Identifiers: MedGen C0009405, MeSH D003123.

Submission:

Labcorp Genetics (formerly Invitae), Labcorp
Classification: Pathogenic for Hereditary nonpolyposis colorectal neoplasms. Last evaluated: 2020-01-18. Review status: criteria provided, single submitter. Criteria: Invitae Variant Classification Sherloc (09022015). Collection method: clinical testing. Allele origin: germline.
Comment: This variant has not been reported in the literature in individuals with MSH6-related conditions. For these reasons, this variant has been classified as Pathogenic. Loss-of-function variants in MSH6 are known to be pathogenic (PMID: 18269114, 24362816). This variant is not present in population databases (ExAC no frequency). This sequence change creates a premature translational stop signal (p.Lys1233Serfs*2) in the MSH6 gene. It is expected to result in an absent or disrupted protein product.

Literature cited by the submitters: PubMed 18269114; PubMed 24362816.